The following is an entry in ClinVar:

NM_020937.4(FANCM):c.5409T>C (p.Ala1803=)

Gene: FANCM (FA complementation group M; plus strand). Cytogenetic location: 14q21.2.
Variant type: single nucleotide variant.
Coding change: c.5409T>C on transcript NM_020937.4 (MANE Select); coding-DNA position 5409, T replaced by C.
Protein change: p.Ala1803=; no amino-acid change (alanine 1803 retained).
Molecular consequence: synonymous variant.
Genome position (GRCh38, 1-based): chr14:45,196,240, T>C. VCF-style: chr14-45196240-T-C. GRCh37 (hg19) VCF-style: chr14-45665443-T-C.
Other names: c.5331T>C, p.Ala1777= (NM_001308133.2); c.5409T>C (NM_020937.3).
Identifiers: ClinVar variation 773623 (VCV000773623.14), dbSNP rs141214060, ClinGen allele CA7169999.

ClinVar aggregate classification (germline): Likely benign. Review status: criteria provided, multiple submitters, no conflicts (2 of 4 stars). 4 submissions from 4 submitters: Likely benign (3). 1 of the submissions does not count toward it. Last evaluated 2025-07-03.

Conditions:
Inborn genetic diseases. Identifiers: MedGen C0950123, MeSH D030342.
Fanconi anemia (FA). Also called: Fanconi's anemia. Identifiers: Orphanet 84, MedGen C0015625, MeSH D005199, MONDO:0019391.
FANCM-related disorder. Also called: FANCM-related condition.

Allele frequency attached by ClinVar (database versions not stated): gnomAD 0.00003; TOPMed 0.00004; gnomAD exomes 0.00001; ESP Exome Variant Server 0.00008; ExAC 0.00002.
gnomAD v4.1: 4 of 1,613,924 alleles (0.00025%); highest among the groups gnomAD compares: African/African-American, 0.0053%; no homozygotes.

Submissions (4):

Ambry Genetics
Classification: Likely benign for Inborn genetic diseases. Last evaluated: 2025-07-03. Review status: criteria provided, single submitter. Criteria: Ambry Variant Classification Scheme 2023. Collection method: clinical testing. Allele origin: germline.

Quest Diagnostics Nichols Institute San Juan Capistrano
Classification: Likely benign. Last evaluated: 2025-01-16. Review status: criteria provided, single submitter. Criteria: Quest Diagnostics criteria. Collection method: clinical testing. Allele origin: unknown.

Labcorp Genetics (formerly Invitae), Labcorp
Classification: Likely benign for Fanconi anemia. Last evaluated: 2019-07-15. Review status: criteria provided, single submitter. Criteria: Invitae Variant Classification Sherloc (09022015). Collection method: clinical testing. Allele origin: germline.

PreventionGenetics, part of Exact Sciences
Classification: Likely benign for FANCM-related condition. Last evaluated: 2024-02-01. Review status: no assertion criteria provided. Collection method: clinical testing. Allele origin: germline. Not counted in ClinVar's aggregate classification.
Comment: This variant is classified as likely benign based on ACMG/AMP sequence variant interpretation guidelines (Richards et al. 2015 PMID: 25741868, with internal and published modifications).